The following is an entry in ClinVar:

NC_000013.10:g.(?_103498381)_(103525694_103527656)dup

Genes: BIVM-ERCC5 (BIVM-ERCC5 readthrough; plus strand), ERCC5 (ERCC excision repair 5, endonuclease; plus strand). Cytogenetic location: 13q33.1.
Variant type: Duplication.
Identifiers: ClinVar variation 3768469 (VCV003768469.1).

ClinVar aggregate classification (germline): Uncertain significance (1 of 4 stars; one submission).

Submission:

Women's Health and Genetics/Laboratory Corporation of America, LabCorp
Classification: Uncertain significance. Last evaluated: 2024-12-31. Review status: criteria provided, single submitter. Criteria: LabCorp Variant Classification Summary - May 2015. Collection method: clinical testing. Allele origin: germline.
Comment: Variant summary: The variant involves the duplication of exons 1-14 in the ERCC5 gene. A presumed nomenclature of c.(?_-236)_(2964+1_2965-1)dup has been designated for the purposes of this classification. The exact breakpoint at the 5' end of this variant is unknown, therefore this duplication may extend upstream of the annotated region of this gene. It is predicted to duplicate a segment including the initiation codon, therefore its impact on the encoded protein is unknown. The variant was absent in 21694 control chromosomes. The available data on variant occurrences in the general population are insufficient to allow any conclusion about variant significance. To our knowledge, no occurrence of c.(?_-236)_(2964+1_2965-1)dup in individuals affected with ERCC5-related conditions and no experimental evidence demonstrating its impact on protein function have been reported. No submitters have cited clinical-significance assessments for this variant to ClinVar. Based on the evidence outlined above, the variant was classified as uncertain significance.